The following is an entry in ClinVar:

ClinVar aggregate classification (germline): Likely benign (1 of 4 stars; one submission).

Allele frequency attached by ClinVar (database versions not stated): TOPMed below 0.00001.

Submission:

CeGaT Center for Human Genetics Tuebingen
Classification: Likely benign. Last evaluated: 2024-01-01. Review status: criteria provided, single submitter. Criteria: CeGaT Center For Human Genetics Tuebingen Variant Classification Criteria Version 2. Collection method: clinical testing. Allele origin: germline. Affected: yes. Observed: 1 variant allele.
Comment: TTN: PM2:Supporting, BP4, BP7

NM_001267550.2(TTN):c.1200C>G (p.Ala400=)

Gene: TTN (titin; minus strand). Cytogenetic location: 2q31.2.
Variant type: single nucleotide variant.
Coding change: c.1200C>G on transcript NM_001267550.2 (MANE Select); coding-DNA position 1200, C replaced by G.
Protein change: p.Ala400=; no amino-acid change (alanine 400 retained).
Molecular consequence: synonymous variant.
Genome position (GRCh38, 1-based): chr2:178,794,967, G>C on the plus strand (C>G on the coding strand, the complement: TTN is on the minus strand). VCF-style: chr2-178794967-G-C. GRCh37 (hg19) VCF-style: chr2-179659694-G-C.
Other names: c.1200C>G, p.Ala400= (NM_001256850.1, NM_003319.4, NM_133378.4 and 3 more transcripts).
Identifiers: ClinVar variation 3026103 (VCV003026103.22), dbSNP rs2093689713, ClinGen allele CA430283032.
Genomic context (GRCh38, chr2:178,794,967, plus strand): 5'-CCATTCTGACAGTACCTCTTTAGCACCAGTGGCAACAGCCTCTGCTGCGTAGCTAGCACT[G>C]GCCGACACACTGGCGGCAGCACCCGCAGCACCACTGATGGTCACTTGCTCCTGGACACCG-3'
Protein context (NP_001254479.2, residues 390-410): GAAGAAASVS[Ala400=]SASYAAEAVA